The following is an entry in ClinVar:

ClinVar aggregate classification (germline): Uncertain significance (1 of 4 stars; one submission).

Allele frequency attached by ClinVar (database versions not stated): gnomAD exomes below 0.00001; gnomAD 0.00004; TOPMed 0.00006.
gnomAD v4.1: 13 of 1,592,252 alleles (0.00082%); highest among the groups gnomAD compares: African/African-American, 0.016%; no homozygotes.

Submission:

Labcorp Genetics (formerly Invitae), Labcorp
Classification: Uncertain significance. Last evaluated: 2022-05-17. Review status: criteria provided, single submitter. Criteria: Invitae Variant Classification Sherloc (09022015). Collection method: clinical testing. Allele origin: germline.
Comment: This sequence change replaces glycine, which is neutral and non-polar, with valine, which is neutral and non-polar, at codon 2242 of the CEP250 protein (p.Gly2242Val). This variant is present in population databases (no rsID available, gnomAD 0.02%). This variant has not been reported in the literature in individuals affected with CEP250-related conditions. Algorithms developed to predict the effect of missense changes on protein structure and function are either unavailable or do not agree on the potential impact of this missense change (SIFT: "Not Available"; PolyPhen-2: "Benign"; Align-GVGD: "Not Available"). Algorithms developed to predict the effect of sequence changes on RNA splicing suggest that this variant may disrupt the consensus splice site. In summary, the available evidence is currently insufficient to determine the role of this variant in disease. Therefore, it has been classified as a Variant of Uncertain Significance.

NM_007186.6(CEP250):c.6725G>T (p.Gly2242Val)

Gene: CEP250 (centrosomal protein 250; plus strand). Cytogenetic location: 20q11.22.
Variant type: single nucleotide variant.
Coding change: c.6725G>T on transcript NM_007186.6 (MANE Select); coding-DNA position 6725, G replaced by T.
Protein change: p.Gly2242Val; replaces glycine 2242 with valine.
Molecular consequence: missense variant.
Genome position (GRCh38, 1-based): chr20:35,507,826, G>T. VCF-style: chr20-35507826-G-T. GRCh37 (hg19) VCF-style: chr20-34095655-G-T.
Other names: c.4829G>T, p.Gly1610Val (NM_001318219.1); short protein forms G2242V, G1610V.
Identifiers: ClinVar variation 2167422 (VCV002167422.1), dbSNP rs949698245, ClinGen allele CA314164169.